The following is an entry in ClinVar:

ClinVar aggregate classification (germline): Uncertain significance (1 of 4 stars; one submission).

Allele frequency attached by ClinVar (database versions not stated): TOPMed below 0.00001; gnomAD 0.00001; gnomAD exomes below 0.00001; ExAC 0.00001.
gnomAD v4.1: 7 of 1,614,100 alleles (0.00043%); highest among the groups gnomAD compares: African/African-American, 0.0013%; no homozygotes.

Submission:

Labcorp Genetics (formerly Invitae), Labcorp
Classification: Uncertain significance. Last evaluated: 2025-09-01. Review status: criteria provided, single submitter. Criteria: Invitae Variant Classification Sherloc (09022015). Collection method: clinical testing. Allele origin: germline.
Comment: This sequence change replaces arginine, which is basic and polar, with threonine, which is neutral and polar, at codon 43 of the LZTS1 protein (p.Arg43Thr). This variant is present in population databases (rs765403367, gnomAD no frequency). This variant has not been reported in the literature in individuals affected with LZTS1-related conditions. ClinVar contains an entry for this variant (Variation ID: 2982673). Invitae Evidence Modeling of protein sequence and biophysical properties (such as structural, functional, and spatial information, amino acid conservation, physicochemical variation, residue mobility, and thermodynamic stability) indicates that this missense variant is not expected to disrupt LZTS1 protein function with a negative predictive value of 80%. In summary, the available evidence is currently insufficient to determine the role of this variant in disease. Therefore, it has been classified as a Variant of Uncertain Significance.

NM_021020.5(LZTS1):c.128G>C (p.Arg43Thr)

Gene: LZTS1 (leucine zipper tumor suppressor 1; minus strand). Cytogenetic location: 8p21.3.
Variant type: single nucleotide variant.
Coding change: c.128G>C on transcript NM_021020.5 (MANE Select); coding-DNA position 128, G replaced by C.
Protein change: p.Arg43Thr; replaces arginine 43 with threonine.
Molecular consequence: missense variant.
Genome position (GRCh38, 1-based): chr8:20,255,054, C>G on the plus strand (G>C on the coding strand, the complement: LZTS1 is on the minus strand). VCF-style: chr8-20255054-C-G. GRCh37 (hg19) VCF-style: chr8-20112565-C-G.
Other names: c.128G>C, p.Arg43Thr (NM_001362884.2); short protein forms R43T.
Identifiers: ClinVar variation 2982673 (VCV002982673.3), dbSNP rs765403367, ClinGen allele CA4657597.